The following is an entry in ClinVar:

NM_018249.6(CDK5RAP2):c.1060G>A (p.Ala354Thr)

Gene: CDK5RAP2 (CDK5 regulatory subunit associated protein 2; minus strand). Cytogenetic location: 9q33.2.
Variant type: single nucleotide variant.
Coding change: c.1060G>A on transcript NM_018249.6 (MANE Select); coding-DNA position 1060, G replaced by A.
Protein change: p.Ala354Thr; replaces alanine 354 with threonine.
Molecular consequence: missense variant. On other transcripts: non-coding transcript variant (5).
Genome position (GRCh38, 1-based): chr9:120,525,018, C>T on the plus strand (G>A on the coding strand, the complement: CDK5RAP2 is on the minus strand). VCF-style: chr9-120525018-C-T. GRCh37 (hg19) VCF-style: chr9-123287296-C-T.
Other names: c.1060G>A, p.Ala354Thr (NM_001011649.3, NM_001272039.2, NM_001410992.1 and 2 more transcripts); short protein forms A354T.
Identifiers: ClinVar variation 4753225 (VCV004753225.1).
Genomic context (GRCh38, chr9:120,525,018, plus strand): 5'-CAGCCACTTAAGCCAAGTGTACACTTACCTGAAATTCCTGGGTCTGTGCTTTCTGTAGGG[C>T]CTCTCTGGCTTTAGCAAAGGCAGCACTGAGCTTTTCAATTTCAGAGTTAAGTTCTTCAAC-3'
Protein context (NP_060719.4, residues 344-364): LSAAFAKARE[Ala354Thr]LQKAQTQEFQ

ClinVar aggregate classification (germline): Uncertain significance (1 of 4 stars; one submission).

Submission:

Labcorp Genetics (formerly Invitae), Labcorp
Classification: Uncertain significance. Last evaluated: 2025-09-08. Review status: criteria provided, single submitter. Criteria: Invitae Variant Classification Sherloc (09022015). Collection method: clinical testing. Allele origin: germline.
Comment: This sequence change replaces alanine, which is neutral and non-polar, with threonine, which is neutral and polar, at codon 354 of the CDK5RAP2 protein (p.Ala354Thr). This variant is not present in population databases (gnomAD no frequency). This variant has not been reported in the literature in individuals affected with CDK5RAP2-related conditions. An algorithm developed to predict the effect of missense changes on protein structure and function (PolyPhen-2) suggests that this variant is likely to be tolerated. In summary, the available evidence is currently insufficient to determine the role of this variant in disease. Therefore, it has been classified as a Variant of Uncertain Significance.